The following is an entry in ClinVar:

NM_003059.3(SLC22A4):c.1445-11G>A

Genes: MIR3936HG (MIR3936 host gene; minus strand), SLC22A4 (solute carrier family 22 member 4; plus strand). Cytogenetic location: 5q31.1.
Variant type: single nucleotide variant.
Coding change: c.1445-11G>A on transcript NM_003059.3 (MANE Select); 11 bases into the intron before coding-DNA position 1445, G replaced by A.
Molecular consequence: intron variant.
Genome position (GRCh38, 1-based): chr5:132,340,554, G>A. VCF-style: chr5-132340554-G-A. GRCh37 (hg19) VCF-style: chr5-131676247-G-A.
Identifiers: ClinVar variation 3629388 (VCV003629388.3).

ClinVar aggregate classification (germline): Uncertain significance (1 of 4 stars; one submission).

gnomAD v4.1: 60 of 1,613,412 alleles (0.0037%); highest among the groups gnomAD compares: African/African-American, 0.035%; no homozygotes.

Submissions (2):

Labcorp Genetics (formerly Invitae), Labcorp
Classification: Uncertain significance. Last evaluated: 2025-08-29. Review status: criteria provided, single submitter. Criteria: Invitae Variant Classification Sherloc (09022015). Collection method: clinical testing. Allele origin: germline.
Comment: This sequence change falls in intron 8 of the SLC22A4 gene. It does not directly change the encoded amino acid sequence of the SLC22A4 protein. This variant is present in population databases (rs367641793, gnomAD 0.03%). This variant has not been reported in the literature in individuals affected with SLC22A4-related conditions. ClinVar contains an entry for this variant (Variation ID: 3629388). Algorithms developed to predict the effect of sequence changes on RNA splicing suggest that this variant may disrupt the consensus splice site. In summary, the available evidence is currently insufficient to determine the role of this variant in disease. Therefore, it has been classified as a Variant of Uncertain Significance.

Dr. Peter K. Rogan Lab, Western University
No classification provided (evidence only). Condition: Uterine corpus endometrial carcinoma. Review status: no classification provided. Collection method: in vitro. Allele origin: not applicable. Functional consequence: retained intron. Not counted in ClinVar's aggregate classification.